The following is an entry in ClinVar:

ClinVar aggregate classification (germline): risk factor (0 of 4 stars; one submission).

Conditions:
Type 2 diabetes mellitus. Also called: Type II diabetes mellitus. Identifiers: MedGen C0011860, MeSH D003924, MONDO:0005148, OMIM 125853, HP:0005978.

Allele frequency attached by ClinVar (database versions not stated): ESP Exome Variant Server 0.00008; gnomAD 0.00041 and 0.00049; gnomAD exomes 0.00042 and 0.00166; TOPMed 0.00087; 1000 Genomes Project 0.00120; ExAC 0.00122; 1000 Genomes Project 30x 0.00141.

Submission:

Diabetes Molecular Genetics Section, Phoenix Epidemiology and Clinical Research Branch, National Institutes of Health
Classification: risk factor for Type 2 diabetes mellitus. Review status: no assertion criteria provided. Collection method: case-control. Allele origin: germline. Affected: yes.
Comment: The variant allele associates with increased risk of T2D. In in-vtro studies the variant allele reduces protein expression and also effects tranactivation capability

NM_014276.4(RBPJL):c.839C>T (p.Thr280Met)

Gene: RBPJL (recombination signal binding protein for immunoglobulin kappa J region like; plus strand). Cytogenetic location: 20q13.12.
Variant type: single nucleotide variant.
Coding change: c.839C>T on transcript NM_014276.4 (MANE Select); coding-DNA position 839, C replaced by T.
Protein change: p.Thr280Met; replaces threonine 280 with methionine.
Molecular consequence: missense variant.
Genome position (GRCh38, 1-based): chr20:45,314,116, C>T. VCF-style: chr20-45314116-C-T. GRCh37 (hg19) VCF-style: chr20-43942756-C-T.
Other names: c.839C>T, p.Thr280Met (NM_001281448.2, NM_001281449.2); short protein forms T280M.
Identifiers: ClinVar variation 445144 (VCV000445144.5), dbSNP rs200998587, ClinGen allele CA9876696.